The following is an entry in ClinVar:

NM_032242.4(PLXNA1):c.1333C>T (p.Arg445Cys)

Gene: PLXNA1 (plexin A1; plus strand). Cytogenetic location: 3q21.3.
Variant type: single nucleotide variant.
Coding change: c.1333C>T on transcript NM_032242.4 (MANE Select); coding-DNA position 1333, C replaced by T.
Protein change: p.Arg445Cys; replaces arginine 445 with cysteine.
Molecular consequence: missense variant.
Genome position (GRCh38, 1-based): chr3:126,991,522, C>T. VCF-style: chr3-126991522-C-T. GRCh37 (hg19) VCF-style: chr3-126710365-C-T.
Other names: short protein forms R445C.
Identifiers: ClinVar variation 3358703 (VCV003358703.1).

ClinVar aggregate classification (germline): Uncertain significance (0 of 4 stars; one submission).

Conditions:
PLXNA1-related disorder. Also called: PLXNA1-related condition.

gnomAD v4.1: 14 of 1,608,068 alleles (0.00087%); highest among the groups gnomAD compares: Admixed American, 0.0084%; no homozygotes.

Submission:

PreventionGenetics, part of Exact Sciences
Classification: Uncertain significance for PLXNA1-related condition. Last evaluated: 2024-03-20. Review status: no assertion criteria provided. Collection method: clinical testing. Allele origin: germline.
Comment: The PLXNA1 c.1333C>T variant is predicted to result in the amino acid substitution p.Arg445Cys. To our knowledge, this variant has not been reported in the literature. This variant is reported in 0.0058% of alleles in individuals of Latino descent in gnomAD. At this time, the clinical significance of this variant is uncertain due to the absence of conclusive functional and genetic evidence.